The following is an entry in ClinVar:

NM_031475.3(ESPN):c.130G>T (p.Ala44Ser)

Gene: ESPN (espin; plus strand). Cytogenetic location: 1p36.31.
Variant type: single nucleotide variant.
Coding change: c.130G>T on transcript NM_031475.3 (MANE Select); coding-DNA position 130, G replaced by T.
Protein change: p.Ala44Ser; replaces alanine 44 with serine.
Molecular consequence: missense variant.
Genome position (GRCh38, 1-based): chr1:6,425,085, G>T. VCF-style: chr1-6425085-G-T. GRCh37 (hg19) VCF-style: chr1-6485145-G-T.
Other names: c.130G>T, p.Ala44Ser (NM_001367473.1, NM_001367474.1); short protein forms A44S.
Identifiers: ClinVar variation 2016088 (VCV002016088.4), dbSNP rs1250150975, ClinGen allele CA338083609.

ClinVar aggregate classification (germline): Uncertain significance (1 of 4 stars; one submission).

gnomAD v4.1: 2 of 1,488,930 alleles (0.00013%); highest among the groups gnomAD compares: Non-Finnish European, 0.00018%; no homozygotes.

Submission:

Labcorp Genetics (formerly Invitae), Labcorp
Classification: Uncertain significance. Last evaluated: 2022-10-03. Review status: criteria provided, single submitter. Criteria: Invitae Variant Classification Sherloc (09022015). Collection method: clinical testing. Allele origin: germline.
Comment: In summary, the available evidence is currently insufficient to determine the role of this variant in disease. Therefore, it has been classified as a Variant of Uncertain Significance. Algorithms developed to predict the effect of missense changes on protein structure and function (SIFT, PolyPhen-2, Align-GVGD) all suggest that this variant is likely to be disruptive. This variant has not been reported in the literature in individuals affected with ESPN-related conditions. This variant is not present in population databases (gnomAD no frequency). This sequence change replaces alanine, which is neutral and non-polar, with serine, which is neutral and polar, at codon 44 of the ESPN protein (p.Ala44Ser).